The following is an entry in ClinVar:

ClinVar aggregate classification (germline): Uncertain significance. Review status: criteria provided, multiple submitters, no conflicts (2 of 4 stars). 2 submissions from 2 submitters: Uncertain significance (2). Last evaluated 2023-06-28.

Conditions:
Inborn genetic diseases. Identifiers: MedGen C0950123, MeSH D030342.

Allele frequency attached by ClinVar (database versions not stated): TOPMed below 0.00001.

Submissions (2):

Ambry Genetics
Classification: Uncertain significance for Inborn genetic diseases. Last evaluated: 2023-06-28. Review status: criteria provided, single submitter. Criteria: Ambry Variant Classification Scheme 2023. Collection method: clinical testing. Allele origin: germline.
Comment: The p.A417V variant (also known as c.1250C>T), located in coding exon 11 of the LRRK2 gene, results from a C to T substitution at nucleotide position 1250. The alanine at codon 417 is replaced by valine, an amino acid with similar properties. This amino acid position is conserved. In addition, this alteration is predicted to be tolerated by in silico analysis. Since supporting evidence is limited at this time, the clinical significance of this alteration remains unclear.

CeGaT Center for Human Genetics Tuebingen
Classification: Uncertain significance. Last evaluated: 2016-07-01. Review status: criteria provided, single submitter. Criteria: CeGaT Center For Human Genetics Tuebingen Variant Classification Criteria Version 2. Collection method: clinical testing. Allele origin: germline. Affected: yes. Observed: 1 variant allele.

NM_198578.4(LRRK2):c.1250C>T (p.Ala417Val)

Gene: LRRK2 (leucine rich repeat kinase 2; plus strand). Cytogenetic location: 12q12.
Variant type: single nucleotide variant.
Coding change: c.1250C>T on transcript NM_198578.4 (MANE Select); coding-DNA position 1250, C replaced by T.
Protein change: p.Ala417Val; replaces alanine 417 with valine.
Molecular consequence: missense variant.
Genome position (GRCh38, 1-based): chr12:40,252,978, C>T. VCF-style: chr12-40252978-C-T. GRCh37 (hg19) VCF-style: chr12-40646780-C-T.
Other names: c.1250C>T (NM_198578.3); short protein forms A417V.
Identifiers: ClinVar variation 374685 (VCV000374685.45), dbSNP rs1057519199, ClinGen allele CA16043846.
Genomic context (GRCh38, chr12:40,252,978, plus strand): 5'-CTCATAGGGAAGTGATGCTCTCCATGCTGATGCATTCTTCATCAAAGGAAGTTTTCCAGG[C>T]ATCTGCGAATGCATTGTCAACTCTCTTAGAACAAAATGGTAAGCAGTGGGCCATGTTTTC-3'
Protein context (NP_940980.4, residues 407-427): MHSSSKEVFQ[Ala417Val]SANALSTLLE